The following is an entry in ClinVar:

ClinVar aggregate classification (germline): Likely benign (0 of 4 stars; one submission).

Conditions:
SFTPA2-related disorder. Also called: SFTPA2-related condition.

Allele frequency attached by ClinVar (database versions not stated): gnomAD 0.00005; gnomAD exomes 0.00007; ESP Exome Variant Server 0.00008; ExAC 0.00027.

Submission:

PreventionGenetics, part of Exact Sciences
Classification: Likely benign for SFTPA2-related condition. Last evaluated: 2020-02-01. Review status: no assertion criteria provided. Collection method: clinical testing. Allele origin: germline.
Comment: This variant is classified as likely benign based on ACMG/AMP sequence variant interpretation guidelines (Richards et al. 2015 PMID: 25741868, with internal and published modifications).

NM_001098668.4(SFTPA2):c.135C>T (p.Asp45=)

Gene: SFTPA2 (surfactant protein A2; minus strand). Cytogenetic location: 10q22.3.
Variant type: single nucleotide variant.
Coding change: c.135C>T on transcript NM_001098668.4 (MANE Select); coding-DNA position 135, C replaced by T.
Protein change: p.Asp45=; no amino-acid change (aspartic acid 45 retained).
Molecular consequence: synonymous variant.
Genome position (GRCh38, 1-based): chr10:79,559,349, G>A on the plus strand (C>T on the coding strand, the complement: SFTPA2 is on the minus strand). VCF-style: chr10-79559349-G-A. GRCh37 (hg19) VCF-style: chr10-81319105-G-A.
Other names: c.135C>T, p.Asp45= (NM_005411.1, NM_006926.2, NM_001320813.2); c.165C>T, p.Asp55= (NM_001320814.1).
Identifiers: ClinVar variation 3048975 (VCV003048975.2), dbSNP rs370764679, ClinGen allele CA5574201.
Genomic context (GRCh38, chr10:79,559,349, plus strand): 5'-GGGTGGGGTCTGCAGCACAGTACCTGGAGGGCCAGGGTCTCCTTTGACACCATCTCTCCC[G>A]TCCCTGCCTGGCAGGCCGTGGGATCCAGGAGTGCCGGGGATACCAGGGCTTCCAACACAA-3'
Protein context (NP_001092138.1, residues 35-55): TPGSHGLPGR[Asp45=]GRDGVKGDPG